The following is an entry in ClinVar:

NM_001127178.3(PIGG):c.587C>T (p.Thr196Met)

Gene: PIGG (phosphatidylinositol glycan anchor biosynthesis class G (EMM blood group); plus strand). Cytogenetic location: 4p16.3.
Variant type: single nucleotide variant.
Coding change: c.587C>T on transcript NM_001127178.3 (MANE Select); coding-DNA position 587, C replaced by T.
Protein change: p.Thr196Met; replaces threonine 196 with methionine.
Molecular consequence: missense variant. On other transcripts: 5 prime UTR variant (4), non-coding transcript variant (10), intron variant (1).
Genome position (GRCh38, 1-based): chr4:507,421, C>T. VCF-style: chr4-507421-C-T. GRCh37 (hg19) VCF-style: chr4-501210-C-T.
Other names: c.320C>T, p.Thr107Met (NM_001289051.2, NM_001289053.2, NM_001289057.2 and 2 more transcripts); c.221C>T, p.Thr74Met (NM_001289055.2); c.-301C>T (NM_001345988.2); c.587C>T, p.Thr196Met (NM_001345989.2, NM_017733.5); c.-1039C>T (NM_001345990.2); c.-901C>T (NM_001345991.2); c.-626C>T (NM_001345994.2); c.361-1408C>T (NM_001289052.2); short protein forms T107M, T196M, T74M.
Identifiers: ClinVar variation 1304731 (VCV001304731.3), dbSNP rs1720110186, ClinGen allele CA355896664.

ClinVar aggregate classification (germline): Uncertain significance (1 of 4 stars; one submission).

Allele frequency attached by ClinVar (database versions not stated): gnomAD exomes below 0.00001; gnomAD 0.00001; TOPMed 0.00001.
gnomAD v4.1: 5 of 1,611,260 alleles (0.00031%); highest among the groups gnomAD compares: East Asian, 0.0022%; no homozygotes.

Submission:

GeneDx
Classification: Uncertain significance. Last evaluated: 2024-05-01. Review status: criteria provided, single submitter. Criteria: GeneDx Variant Classification Process June 2021. Collection method: clinical testing. Allele origin: germline. Affected: yes.
Comment: Not observed at significant frequency in large population cohorts (gnomAD); In silico analysis supports that this missense variant has a deleterious effect on protein structure/function; Has not been previously published as pathogenic or benign to our knowledge